The following is an entry in ClinVar:

ClinVar aggregate classification (germline): Uncertain significance (1 of 4 stars; one submission).

Conditions:
Polycystic kidney disease, adult type (PKD1). Also called: Polycystic Kidney, Autosomal Dominant; Polycystic Kidney Disease 1, Autosomal Dominant; Polycystic kidney disease 1; Polycystic kidney disease 1, severe; POLYCYSTIC KIDNEY DISEASE, ADULT, TYPE I; POLYCYSTIC KIDNEY DISEASE 1 WITH OR WITHOUT POLYCYSTIC LIVER DISEASE. Identifiers: MedGen C3149841, MONDO:0008263, OMIM 173900.

Submission:

MVZ Medizinische Genetik Mainz
Classification: Uncertain significance for Polycystic kidney disease, adult type. Last evaluated: 2025-12-24. Review status: criteria provided, single submitter. Criteria: UK Practice Guidelines For Variant Classification V4 01 2020. Collection method: clinical testing. Allele origin: germline. Inheritance: Autosomal dominant inheritance. Affected: yes. Observed: 1 variant allele.
Comment: ACMG Criteria: PM2_SUP,PM5_SUP,PP3,PP4

NM_001009944.3(PKD1):c.4991A>G (p.Tyr1664Cys)

Gene: PKD1 (polycystin 1, transient receptor potential channel interacting; minus strand). Cytogenetic location: 16p13.3.
Variant type: single nucleotide variant.
Coding change: c.4991A>G on transcript NM_001009944.3 (MANE Select); coding-DNA position 4991, A replaced by G.
Protein change: p.Tyr1664Cys; replaces tyrosine 1664 with cysteine.
Molecular consequence: missense variant.
Genome position (GRCh38, 1-based): chr16:2,110,176, T>C on the plus strand (A>G on the coding strand, the complement: PKD1 is on the minus strand). VCF-style: chr16-2110176-T-C. GRCh37 (hg19) VCF-style: chr16-2160177-T-C.
Other names: c.4991A>G, p.Tyr1664Cys (NM_000296.4); short protein forms Y1664C.
Identifiers: ClinVar variation 4688167 (VCV004688167.1).